The following is an entry in ClinVar:

ClinVar aggregate classification (germline): Pathogenic (1 of 4 stars; one submission).

Conditions:
Hereditary cancer-predisposing syndrome. Also called: Neoplastic Syndromes, Hereditary; Tumor predisposition; Hereditary neoplastic syndrome; Hereditary Cancer Syndrome. Identifiers: Orphanet 140162, MedGen C0027672, MeSH D009386, MONDO:0015356.

Submission:

Ambry Genetics
Classification: Pathogenic for Hereditary cancer-predisposing syndrome. Last evaluated: 2023-03-10. Review status: criteria provided, single submitter. Criteria: Ambry Variant Classification Scheme 2023. Collection method: clinical testing. Allele origin: germline.
Comment: The c.1694_1695insTC pathogenic mutation, located in coding exon 13 of the SDHA gene, results from an insertion of two nucleotides at position 1694, causing a translational frameshift with a predicted alternate stop codon (p.L566Pfs*7). This alteration is expected to result in loss of function by premature protein truncation or nonsense-mediated mRNA decay. As such, this alteration is interpreted as a disease-causing mutation.

NM_004168.4(SDHA):c.1694_1695insTC (p.Leu566fs)

Gene: SDHA (succinate dehydrogenase complex flavoprotein subunit A; plus strand). Cytogenetic location: 5p15.33.
Variant type: Insertion.
Coding change: c.1694_1695insTC on transcript NM_004168.4 (MANE Select); coding-DNA positions 1694 to 1695, TC inserted.
Protein change: p.Leu566fs; shifts the reading frame from leucine 566.
Molecular consequence: frameshift variant. On other transcripts: intron variant (1).
Genome position: GRCh38 VCF-style: chr5-251367-A-ACT. GRCh37 (hg19) VCF-style: chr5-251482-A-ACT.
Other names: c.1550_1551insTC, p.Leu518fs (NM_001294332.2); c.1552-3025_1552-3024insTC (NM_001330758.2); short protein forms L518fs, L566fs.
Identifiers: ClinVar variation 2452807 (VCV002452807.2), dbSNP rs2477457936, ClinGen allele CA2580073123.